The following is an entry in ClinVar:

ClinVar aggregate classification (germline): Uncertain significance. Review status: criteria provided, multiple submitters, no conflicts (2 of 4 stars). 2 submissions from 2 submitters: Uncertain significance (2). Last evaluated 2021-12-10.

Conditions:
Hereditary cancer-predisposing syndrome. Also called: Tumor predisposition; Hereditary Cancer Syndrome; Hereditary neoplastic syndrome; Neoplastic Syndromes, Hereditary. Identifiers: Orphanet 140162, MedGen C0027672, MeSH D009386, MONDO:0015356.
Gastrointestinal stromal tumor. Also called: Gastrointestinal stroma tumor; Gastrointestinal stromal tumor, somatic. Identifiers: Orphanet 44890, MedGen C0238198, MeSH D046152, MONDO:0011719, OMIM 606764, HP:0100723.

Submissions (2):

Ambry Genetics
Classification: Uncertain significance for Hereditary cancer-predisposing syndrome. Last evaluated: 2021-12-10. Review status: criteria provided, single submitter. Criteria: Ambry Variant Classification Scheme 2023. Collection method: clinical testing. Allele origin: germline.
Comment: The p.V429M variant (also known as c.1285G>A), located in coding exon 8 of the KIT gene, results from a G to A substitution at nucleotide position 1285. The valine at codon 429 is replaced by methionine, an amino acid with highly similar properties. This amino acid position is conserved. In addition, this alteration is predicted to be tolerated by in silico analysis. Since supporting evidence is limited at this time, the clinical significance of this alteration remains unclear.

Labcorp Genetics (formerly Invitae), Labcorp
Classification: Uncertain significance for Gastrointestinal stromal tumor. Last evaluated: 2021-07-11. Review status: criteria provided, single submitter. Criteria: Invitae Variant Classification Sherloc (09022015). Collection method: clinical testing. Allele origin: germline.
Comment: This sequence change replaces valine with methionine at codon 429 of the KIT protein (p.Val429Met). The valine residue is highly conserved and there is a small physicochemical difference between valine and methionine. This variant is not present in population databases (ExAC no frequency). This variant has not been reported in the literature in individuals affected with KIT-related conditions. Algorithms developed to predict the effect of missense changes on protein structure and function are either unavailable or do not agree on the potential impact of this missense change (SIFT: "Deleterious"; PolyPhen-2: "Probably Damaging"; Align-GVGD: "Class C0"). In summary, the available evidence is currently insufficient to determine the role of this variant in disease. Therefore, it has been classified as a Variant of Uncertain Significance.

NM_000222.3(KIT):c.1285G>A (p.Val429Met)

Gene: KIT (KIT proto-oncogene, receptor tyrosine kinase; plus strand). Cytogenetic location: 4q12.
Variant type: single nucleotide variant.
Coding change: c.1285G>A on transcript NM_000222.3 (MANE Select); coding-DNA position 1285, G replaced by A.
Protein change: p.Val429Met; replaces valine 429 with methionine.
Molecular consequence: missense variant.
Genome position (GRCh38, 1-based): chr4:54,723,637, G>A. VCF-style: chr4-54723637-G-A. GRCh37 (hg19) VCF-style: chr4-55589803-G-A.
Other names: c.1285G>A, p.Val429Met (NM_001093772.2, NM_001385285.1, NM_001385286.1); c.1288G>A, p.Val430Met (NM_001385284.1, NM_001385288.1, NM_001385290.1 and 1 more transcripts); short protein forms V430M, V429M.
Identifiers: ClinVar variation 1397929 (VCV001397929.10), dbSNP rs1722031307, ClinGen allele CA356905566.